The following is an entry in ClinVar:

NM_001369.3(DNAH5):c.574G>A (p.Ala192Thr)

Gene: DNAH5 (dynein axonemal heavy chain 5; minus strand). Cytogenetic location: 5p15.2.
Variant type: single nucleotide variant.
Coding change: c.574G>A on transcript NM_001369.3 (MANE Select); coding-DNA position 574, G replaced by A.
Protein change: p.Ala192Thr; replaces alanine 192 with threonine.
Molecular consequence: missense variant.
Genome position (GRCh38, 1-based): chr5:13,922,193, C>T on the plus strand (G>A on the coding strand, the complement: DNAH5 is on the minus strand). VCF-style: chr5-13922193-C-T. GRCh37 (hg19) VCF-style: chr5-13922302-C-T.
Other names: short protein forms A192T.
Identifiers: ClinVar variation 219719 (VCV000219719.55), dbSNP rs140700961, ClinGen allele CA350789.

ClinVar aggregate classification (germline): Conflicting classifications of pathogenicity. Review status: criteria provided, conflicting classifications (1 of 4 stars). 6 submissions from 6 submitters: Uncertain significance (1); Likely benign (3). 2 of the submissions do not count toward it. Last evaluated 2026-09-25.

Conditions:
DNAH5-related disorder. Also called: DNAH5-related condition.
Primary ciliary dyskinesia. Also called: Ciliary dyskinesia. Identifiers: Orphanet 244, MedGen C0008780, MONDO:0016575, HP:0012265.
Primary ciliary dyskinesia 3. Identifiers: Orphanet 244, MedGen C1837618, MONDO:0012085, OMIM 608644.

Allele frequency attached by ClinVar (database versions not stated): TOPMed 0.00025; ESP Exome Variant Server 0.00038; gnomAD 0.00016; gnomAD exomes 0.00017; ExAC 0.00021.
gnomAD v4.1: 590 of 1,613,956 alleles (0.037%); highest among the groups gnomAD compares: Non-Finnish European, 0.047%; 1 homozygote.

Submissions (6):

PreventionGenetics, part of Exact Sciences
Classification: Uncertain significance for DNAH5-related condition. Last evaluated: 2026-09-25. Review status: criteria provided, single submitter. Criteria: ACMG Guidelines, 2015. Collection method: clinical testing. Allele origin: germline.
Comment: The DNAH5 c.574G>A variant is predicted to result in the amino acid substitution p.Ala192Thr. To our knowledge, this variant has not been reported in the literature. This variant is reported in 0.028% of alleles in individuals of European (Non-Finnish) descent in gnomAD. At this time, the clinical significance of this variant is uncertain due to the absence of conclusive functional and genetic evidence.

Labcorp Genetics (formerly Invitae), Labcorp
Classification: Likely benign for Primary ciliary dyskinesia. Last evaluated: 2026-01-04. Review status: criteria provided, single submitter. Criteria: Invitae Variant Classification Sherloc (09022015). Collection method: clinical testing. Allele origin: germline.

CeGaT Center for Human Genetics Tuebingen
Classification: Likely benign. Last evaluated: 2025-08-01. Review status: criteria provided, single submitter. Criteria: CeGaT Center For Human Genetics Tuebingen Variant Classification Criteria Version 2. Collection method: clinical testing. Allele origin: germline. Affected: yes. Observed: 2 variant alleles.
Comment: DNAH5: BP1, BP4

Ambry Genetics
Classification: Likely benign for Primary ciliary dyskinesia. Last evaluated: 2024-08-01. Review status: criteria provided, single submitter. Criteria: Ambry Variant Classification Scheme 2023. Collection method: clinical testing. Allele origin: germline.

Natera, Inc.
Classification: Uncertain significance for Primary ciliary dyskinesia. Last evaluated: 2020-05-01. Review status: no assertion criteria provided. Collection method: clinical testing. Allele origin: germline. Not counted in ClinVar's aggregate classification.

Counsyl
Classification: Uncertain significance for Primary ciliary dyskinesia 3. Last evaluated: 2017-05-08. Review status: no assertion criteria provided. Collection method: clinical testing. Allele origin: unknown. Not counted in ClinVar's aggregate classification.